The following is an entry in ClinVar:

ClinVar aggregate classification (germline): Uncertain significance (1 of 4 stars; one submission).

Conditions:
Inborn genetic diseases. Identifiers: MedGen C0950123, MeSH D030342.

Submission:

Ambry Genetics
Classification: Uncertain significance for Inborn genetic diseases. Last evaluated: 2026-03-11. Review status: criteria provided, single submitter. Criteria: Ambry Variant Classification Scheme 2023. Collection method: clinical testing. Allele origin: germline.
Comment: The c.1399+3C>T intronic variant results from a C to T substitution 3 nucleotides after coding exon 13 in the DDX41 gene. This nucleotide position is well conserved in available vertebrate species. In silico splice site analysis predicts that this alteration will not have any significant effect on splicing. Based on the available evidence, the clinical significance of this variant remains unclear.

NM_016222.4(DDX41):c.1399+3C>T

Gene: DDX41 (DEAD-box helicase 41; minus strand). Cytogenetic location: 5q35.3.
Variant type: single nucleotide variant.
Coding change: c.1399+3C>T on transcript NM_016222.4 (MANE Select); 3 bases into the intron after coding-DNA position 1399, C replaced by T.
Molecular consequence: intron variant.
Genome position (GRCh38, 1-based): chr5:177,512,777, G>A on the plus strand (C>T on the coding strand, the complement: DDX41 is on the minus strand). VCF-style: chr5-177512777-G-A. GRCh37 (hg19) VCF-style: chr5-176939778-G-A.
Other names: c.1021+3C>T (NM_001321830.2, NM_001321732.2).
Identifiers: ClinVar variation 4826045 (VCV004826045.1).
Genomic context (GRCh38, chr5:177,512,777, plus strand): 5'-AAGGCATTAGGTAAAGCACTGCTACTGCAGCAGGGTCCAAGCCAGTGCTTGCACCACCCT[G>A]ACCTTTGCCCCCATGGATGGCTACGGCCTCAACCCCCTTGAGCAGCAGGTACTCGTGGAT-3'